The following is an entry in ClinVar:

ClinVar aggregate classification (germline): Likely benign. Review status: criteria provided, multiple submitters, no conflicts (2 of 4 stars). 2 submissions from 2 submitters: Likely benign (2). Last evaluated 2025-12-11.

Conditions:
Developmental and epileptic encephalopathy 94 (DEE94). Also called: Epileptic encephalopathy, childhood-onset; CHD2-Related Neurodevelopmental Disorders. Identifiers: Orphanet 1942, Orphanet 2382, MedGen C3809278, MONDO:0014150, OMIM 615369.

Allele frequency attached by ClinVar (database versions not stated): TOPMed below 0.00001; gnomAD 0.00001; gnomAD exomes 0.00001; ExAC 0.00002.
gnomAD v4.1: 11 of 1,601,474 alleles (0.00069%); highest among the groups gnomAD compares: South Asian, 0.0034%; no homozygotes.

Submissions (2):

Labcorp Genetics (formerly Invitae), Labcorp
Classification: Likely benign for Developmental and epileptic encephalopathy 94. Last evaluated: 2025-12-11. Review status: criteria provided, single submitter. Criteria: Invitae Variant Classification Sherloc (09022015). Collection method: clinical testing. Allele origin: germline.

GeneDx
Classification: Likely benign. Last evaluated: 2017-06-22. Review status: criteria provided, single submitter. Criteria: GeneDx Variant Classification (06012015). Collection method: clinical testing. Allele origin: germline. Affected: yes.
Comment: This variant is considered likely benign or benign based on one or more of the following criteria: it is a conservative change, it occurs at a poorly conserved position in the protein, it is predicted to be benign by multiple in silico algorithms, and/or has population frequency not consistent with disease.

NM_001271.4(CHD2):c.4137+17C>T

Gene: CHD2 (chromodomain helicase DNA binding protein 2; plus strand). Cytogenetic location: 15q26.1.
Variant type: single nucleotide variant.
Coding change: c.4137+17C>T on transcript NM_001271.4 (MANE Select); 17 bases into the intron after coding-DNA position 4137, C replaced by T.
Molecular consequence: intron variant.
Genome position (GRCh38, 1-based): chr15:93,000,657, C>T. VCF-style: chr15-93000657-C-T. GRCh37 (hg19) VCF-style: chr15-93543887-C-T.
Identifiers: ClinVar variation 518069 (VCV000518069.9), dbSNP rs761732184, ClinGen allele CA7748379.
Genomic context (GRCh38, chr15:93,000,657, plus strand): 5'-CTCCTAGGCATTCAGATAATCCATCAGAAGAGGGAGAAGTGAAAGTATGAAGTGGGGTTT[C>T]GGTTGAGGGTTATTTATTTATTTTAGCTATACTTATCATGCCAGCTGGAATAAAATCATC-3'